The following is an entry in ClinVar:

NM_000501.4(ELN):c.1232T>G (p.Val411Gly)

Gene: ELN (elastin; plus strand). Cytogenetic location: 7q11.23.
Variant type: single nucleotide variant.
Coding change: c.1232T>G on transcript NM_000501.4 (MANE Select); coding-DNA position 1232, T replaced by G.
Protein change: p.Val411Gly; replaces valine 411 with glycine.
Molecular consequence: missense variant.
Genome position (GRCh38, 1-based): chr7:74,056,352, T>G. VCF-style: chr7-74056352-T-G. GRCh37 (hg19) VCF-style: chr7-73470682-T-G.
Other names: c.1232T>G (NM_000501.2); c.1202T>G, p.Val401Gly (NM_001081752.3, NM_001278917.2); c.1247T>G, p.Val416Gly (NM_001081753.3, NM_001081754.3); c.1232T>G, p.Val411Gly (NM_001081755.3, NM_001278912.2, NM_001278915.2 and 1 more transcripts); c.1124T>G, p.Val375Gly (NM_001278913.2); c.1217T>G, p.Val406Gly (NM_001278914.2); c.1190T>G, p.Val397Gly (NM_001278916.2); c.1100T>G, p.Val367Gly (NM_001278918.2); short protein forms V411G, V375G, V367G, V401G, V406G, V416G, V397G.
Identifiers: ClinVar variation 360648 (VCV000360648.17), dbSNP rs200180992, ClinGen allele CA4292901.

ClinVar aggregate classification (germline): Benign. Review status: criteria provided, multiple submitters, no conflicts (2 of 4 stars). 6 submissions from 5 submitters: Benign (4). 2 of the submissions do not count toward it. Last evaluated 2025-09-28.

Conditions:
Supravalvar aortic stenosis (SVAS). Also called: Supravalvar aortic stenosis, Eisenberg type. Identifiers: Orphanet 3193, MedGen C0003499, MONDO:0008504, OMIM 185500, HP:0004381.
Cutis laxa, autosomal dominant 1 (ADCL1). Also called: ELN-Related Cutis Laxa. Identifiers: Orphanet 90348, MedGen C3276539, MONDO:0007411, OMIM 123700. Disease mechanism: Dominant Negative.

Allele frequency attached by ClinVar (database versions not stated): TOPMed 0.00035; ExAC 0.00053; gnomAD 0.00073; 1000 Genomes Project 30x 0.00219; 1000 Genomes Project 0.00240.
gnomAD v4.1: 267 of 1,613,084 alleles (0.017%); highest among the groups gnomAD compares: East Asian, 0.54%; 3 homozygotes.

Submissions (6):

Labcorp Genetics (formerly Invitae), Labcorp
Classification: Benign for Supravalvar aortic stenosis. Last evaluated: 2025-09-28. Review status: criteria provided, single submitter. Criteria: Invitae Variant Classification Sherloc (09022015). Collection method: clinical testing. Allele origin: germline.

GeneDx
Classification: Benign. Last evaluated: 2021-01-20. Review status: criteria provided, single submitter. Criteria: GeneDx Variant Classification Process June 2021. Collection method: clinical testing. Allele origin: germline. Affected: yes.
Comment: This variant is associated with the following publications: (PMID: 11735026)

Illumina Laboratory Services, Illumina
Classification: Benign for Supravalvar aortic stenosis. Last evaluated: 2018-01-13. Review status: criteria provided, single submitter. Criteria: ICSL Variant Classification Criteria 13 December 2019. Collection method: clinical testing. Allele origin: germline.
Comment: This variant was observed in the ICSL laboratory as part of a predisposition screen in an ostensibly healthy population. It had not been previously curated by ICSL or reported in the Human Gene Mutation Database (HGMD: prior to June 1st, 2018), and was therefore a candidate for classification through an automated scoring system. Utilizing variant allele frequency, disease prevalence and penetrance estimates, and inheritance mode, an automated score was calculated to assess if this variant is too frequent to cause the disease. Based on the score and internal cut-off values, a variant classified as benign is not then subjected to further curation. The score for this variant resulted in a classification of benign for this disease.

Illumina Laboratory Services, Illumina
Classification: Benign for Cutis laxa, autosomal dominant 1. Last evaluated: 2018-01-13. Review status: criteria provided, single submitter. Criteria: ICSL Variant Classification Criteria 13 December 2019. Collection method: clinical testing. Allele origin: germline.
Comment: the same text as in the submission from Illumina Laboratory Services, Illumina above.

Genome Diagnostics Laboratory, Amsterdam University Medical Center
Classification: Likely benign. Review status: no assertion criteria provided. Collection method: clinical testing. Allele origin: germline. Affected: yes. Study: VKGL Data-share Consensus. Not counted in ClinVar's aggregate classification.

Genome Diagnostics Laboratory, University Medical Center Utrecht
Classification: Likely benign. Review status: no assertion criteria provided. Collection method: clinical testing. Allele origin: germline. Affected: yes. Study: VKGL Data-share Consensus. Not counted in ClinVar's aggregate classification.